The following is an entry in ClinVar:

ClinVar aggregate classification (germline): Conflicting classifications of pathogenicity. Review status: criteria provided, conflicting classifications (1 of 4 stars). 6 submissions from 6 submitters: Uncertain significance (3); Likely benign (1). 2 of the submissions do not count toward it. Last evaluated 2024-09-01.

Conditions:
Cardiovascular phenotype. Identifiers: MedGen CN230736.
Alstrom syndrome (ALMS). Identifiers: Orphanet 64, MedGen C0268425, MONDO:0008763, OMIM 203800.

Allele frequency attached by ClinVar (database versions not stated): TOPMed 0.00005; ESP Exome Variant Server 0.00008; gnomAD 0.00008 and 0.00010.
gnomAD v4.1: 70 of 1,613,718 alleles (0.0043%); highest among the groups gnomAD compares: Middle Eastern, 0.049%; no homozygotes.

Submissions (6):

CeGaT Center for Human Genetics Tuebingen
Classification: Uncertain significance. Last evaluated: 2024-09-01. Review status: criteria provided, single submitter. Criteria: CeGaT Center For Human Genetics Tuebingen Variant Classification Criteria Version 2. Collection method: clinical testing. Allele origin: germline. Affected: yes. Observed: 1 variant allele.
Comment: ALMS1: PM2, BP4

Ambry Genetics
Classification: Likely benign for Cardiovascular phenotype. Last evaluated: 2024-05-28. Review status: criteria provided, single submitter. Criteria: Ambry Variant Classification Scheme 2023. Collection method: clinical testing. Allele origin: germline.

Labcorp Genetics (formerly Invitae), Labcorp
Classification: Uncertain significance for Alstrom syndrome. Last evaluated: 2022-10-13. Review status: criteria provided, single submitter. Criteria: Invitae Variant Classification Sherloc (09022015). Collection method: clinical testing. Allele origin: germline.
Comment: This sequence change replaces histidine, which is basic and polar, with tyrosine, which is neutral and polar, at codon 719 of the ALMS1 protein (p.His719Tyr). This variant is present in population databases (rs199572177, gnomAD 0.02%). This variant has not been reported in the literature in individuals affected with ALMS1-related conditions. ClinVar contains an entry for this variant (Variation ID: 529368). Experimental studies and prediction algorithms are not available or were not evaluated, and the functional significance of this variant is currently unknown. In summary, the available evidence is currently insufficient to determine the role of this variant in disease. Therefore, it has been classified as a Variant of Uncertain Significance.

GeneDx
Classification: Uncertain significance. Last evaluated: 2022-06-07. Review status: criteria provided, single submitter. Criteria: GeneDx Variant Classification Process June 2021. Collection method: clinical testing. Allele origin: germline. Affected: yes.
Comment: In silico analysis supports that this missense variant does not alter protein structure/function; Has not been previously published as pathogenic or benign to our knowledge

Natera, Inc.
Classification: Uncertain significance for Alstrom syndrome. Last evaluated: 2021-04-30. Review status: no assertion criteria provided. Collection method: clinical testing. Allele origin: germline. Not counted in ClinVar's aggregate classification.

Counsyl
Classification: Uncertain significance for Alstrom syndrome. Last evaluated: 2017-06-05. Review status: no assertion criteria provided. Collection method: clinical testing. Allele origin: unknown. Not counted in ClinVar's aggregate classification.

NM_001378454.1(ALMS1):c.2152C>T (p.His718Tyr)

Gene: ALMS1 (ALMS1 centrosome and basal body associated protein; plus strand). Cytogenetic location: 2p13.1.
Variant type: single nucleotide variant.
Coding change: c.2152C>T on transcript NM_001378454.1 (MANE Select); coding-DNA position 2152, C replaced by T.
Protein change: p.His718Tyr; replaces histidine 718 with tyrosine.
Molecular consequence: missense variant.
Genome position (GRCh38, 1-based): chr2:73,448,679, C>T. VCF-style: chr2-73448679-C-T. GRCh37 (hg19) VCF-style: chr2-73675806-C-T.
Other names: c.2155C>T, p.His719Tyr (NM_015120.4); short protein forms H719Y, H718Y.
Identifiers: ClinVar variation 529368 (VCV000529368.29), dbSNP rs199572177, ClinGen allele CA1713290.